The following is an entry in ClinVar:

ClinVar aggregate classification (germline): Uncertain significance (1 of 4 stars; one submission).

Submission:

GeneDx
Classification: Uncertain significance. Last evaluated: 2023-05-30. Review status: criteria provided, single submitter. Criteria: GeneDx Variant Classification Process June 2021. Collection method: clinical testing. Allele origin: germline. Affected: yes.
Comment: Not observed at significant frequency in large population cohorts (gnomAD); In silico analysis supports that this missense variant does not alter protein structure/function; Has not been previously published as pathogenic or benign to our knowledge

NM_015570.4(AUTS2):c.427A>G (p.Ser143Gly)

Gene: AUTS2 (activator of transcription and developmental regulator AUTS2; plus strand). Cytogenetic location: 7q11.22.
Variant type: single nucleotide variant.
Coding change: c.427A>G on transcript NM_015570.4 (MANE Select); coding-DNA position 427, A replaced by G.
Protein change: p.Ser143Gly; replaces serine 143 with glycine.
Molecular consequence: missense variant.
Genome position (GRCh38, 1-based): chr7:69,899,403, A>G. VCF-style: chr7-69899403-A-G. GRCh37 (hg19) VCF-style: chr7-69364389-A-G.
Other names: c.427A>G, p.Ser143Gly (NM_001127231.3, NM_001127232.3); short protein forms S143G.
Identifiers: ClinVar variation 3361992 (VCV003361992.1).